The following is an entry in ClinVar:

ClinVar aggregate classification (germline): Uncertain significance. Review status: criteria provided, multiple submitters, no conflicts (2 of 4 stars). 2 submissions from 2 submitters: Uncertain significance (2). Last evaluated 2025-05-18.

Conditions:
Encephalopathy, acute, infection-induced (herpes-specific), susceptibility to, 6. Also called: Herpes simplex encephalitis, susceptibility to, 4. Identifiers: Orphanet 1930, MedGen C3553869, MONDO:0013921, OMIM 614850.

Allele frequency attached by ClinVar (database versions not stated): 1000 Genomes Project 30x 0.00062; ExAC 0.00003; 1000 Genomes Project 0.00080; TOPMed 0.00001.

Submissions (2):

Ambry Genetics
Classification: Uncertain significance. Last evaluated: 2025-05-18. Review status: criteria provided, single submitter. Criteria: Ambry Variant Classification Scheme 2023. Collection method: clinical testing. Allele origin: germline.

Labcorp Genetics (formerly Invitae), Labcorp
Classification: Uncertain significance for Encephalopathy, acute, infection-induced (herpes-specific), susceptibility to, 6. Last evaluated: 2022-09-29. Review status: criteria provided, single submitter. Criteria: Invitae Variant Classification Sherloc (09022015). Collection method: clinical testing. Allele origin: germline.
Comment: This sequence change replaces serine, which is neutral and polar, with leucine, which is neutral and non-polar, at codon 258 of the TICAM1 protein (p.Ser258Leu). This variant is present in population databases (rs370748549, gnomAD 0.04%). This variant has not been reported in the literature in individuals affected with TICAM1-related conditions. ClinVar contains an entry for this variant (Variation ID: 861876). Algorithms developed to predict the effect of missense changes on protein structure and function are either unavailable or do not agree on the potential impact of this missense change (SIFT: "Deleterious"; PolyPhen-2: "Benign"; Align-GVGD: "Class C0"). In summary, the available evidence is currently insufficient to determine the role of this variant in disease. Therefore, it has been classified as a Variant of Uncertain Significance.

NM_182919.4(TICAM1):c.773C>T (p.Ser258Leu)

Gene: TICAM1 (TIR domain containing adaptor molecule 1; minus strand). Cytogenetic location: 19p13.3.
Variant type: single nucleotide variant.
Coding change: c.773C>T on transcript NM_182919.4 (MANE Select); coding-DNA position 773, C replaced by T.
Protein change: p.Ser258Leu; replaces serine 258 with leucine.
Molecular consequence: missense variant.
Genome position (GRCh38, 1-based): chr19:4,817,605, G>A on the plus strand (C>T on the coding strand, the complement: TICAM1 is on the minus strand). VCF-style: chr19-4817605-G-A. GRCh37 (hg19) VCF-style: chr19-4817617-G-A.
Other names: c.773C>T (NM_182919.2); short protein forms S258L.
Identifiers: ClinVar variation 861876 (VCV000861876.9), dbSNP rs370748549, ClinGen allele CA9105278.